The following is an entry in ClinVar:

NM_007294.4(BRCA1):c.4631del (p.Pro1544fs)

Gene: BRCA1 (BRCA1 DNA repair associated; minus strand). Cytogenetic location: 17q21.31.
Variant type: Deletion.
Coding change: c.4631del on transcript NM_007294.4 (MANE Select); coding-DNA position 4631, one base deleted (C; older notation c.4631delC).
Protein change: p.Pro1544fs; shifts the reading frame from proline 1544.
Molecular consequence: frameshift variant. On other transcripts: non-coding transcript variant (1).
Genome position (GRCh38, 1-based): chr17:43,074,375, G deleted on the plus strand (C on the coding strand, the reverse complement: BRCA1 is on the minus strand); the first of 2 consecutive G bases (chr17:43,074,375-43,074,376); deleting either gives the same sequence. VCF-style (leftmost placement, unchanged base first): chr17-43074374-TG-T. GRCh37 (hg19) VCF-style: chr17-41226391-TG-T.
Other names: c.4414delC, p.Pro1472Hisfs (NM_001407917.1, NM_001407918.1, NM_001407915.1 and 1 more transcripts); c.4246delC, p.Pro1416Hisfs (NM_001407960.1, NM_001407962.1); c.4507delC, p.Pro1503Hisfs (NM_001407919.1, NM_001407937.1, NM_001407938.1 and 6 more transcripts); c.4243delC, p.Pro1415Hisfs (NM_001407963.1); c.4123delC, p.Pro1375Hisfs (NM_001407965.1); c.4366delC, p.Pro1456Hisfs (NM_001407920.1, NM_001407921.1, NM_001407922.1 and 4 more transcripts); c.3742delC, p.Pro1248Hisfs (NM_001407966.1); c.3739delC, p.Pro1247Hisfs (NM_001407967.1); and 71 more; short protein forms P1544fs, P1497fs, P440fs, P1565fs.
Identifiers: ClinVar variation 1453130 (VCV001453130.8), dbSNP rs2153996908, ClinGen allele CA2573154047.

ClinVar aggregate classification (germline): Pathogenic. Review status: criteria provided, multiple submitters, no conflicts (2 of 4 stars). 2 submissions from 2 submitters: Pathogenic (2). Last evaluated 2023-08-01.

Conditions:
Breast-ovarian cancer, familial, susceptibility to, 1 (BROVCA1). Also called: OVARIAN CANCER, SUSCEPTIBILITY TO; BRCA1 Hereditary Breast and Ovarian Cancer. Identifiers: Orphanet 145, MedGen C2676676, MONDO:0011450, OMIM 604370. Disease mechanism: loss of function.
Hereditary breast ovarian cancer syndrome. Also called: Breast and ovarian cancer; Hereditary breast and/or ovarian cancer syndrome; Hereditary breast and ovarian cancer syndrome; BRCA1- and BRCA2-Associated Hereditary Breast and Ovarian Cancer; Hereditary breast and ovarian cancer; Hereditary breast and ovarian cancer syndrome (HBOC). Identifiers: Orphanet 145, MedGen C0677776, MeSH D061325, MONDO:0003582. Disease mechanism: loss of function.

Submissions (2):

Myriad Genetics, Inc.
Classification: Pathogenic for Breast-ovarian cancer, familial, susceptibility to, 1. Last evaluated: 2023-08-01. Review status: criteria provided, single submitter. Criteria: Myriad Autosomal Dominant, Autosomal Recessive and X-Linked Classification Criteria (2023). Collection method: clinical testing. Allele origin: unknown.
Comment: This variant is considered pathogenic. This variant creates a frameshift predicted to result in premature protein truncation.

Labcorp Genetics (formerly Invitae), Labcorp
Classification: Pathogenic for Hereditary breast ovarian cancer syndrome. Last evaluated: 2021-07-12. Review status: criteria provided, single submitter. Criteria: Invitae Variant Classification Sherloc (09022015). Collection method: clinical testing. Allele origin: germline.
Comment: For these reasons, this variant has been classified as Pathogenic. This variant has not been reported in the literature in individuals with BRCA1-related conditions. This variant is not present in population databases (ExAC no frequency). This sequence change creates a premature translational stop signal (p.Pro1544Hisfs*4) in the BRCA1 gene. It is expected to result in an absent or disrupted protein product. Loss-of-function variants in BRCA1 are known to be pathogenic (PMID: 20104584).

Literature cited by the submitters: PubMed 20104584 (cited by Labcorp Genetics (formerly Invitae), Labcorp).